The following is an entry in ClinVar:

NM_201550.4(LRRC10):c.403C>T (p.Gln135Ter)

Gene: LRRC10 (leucine rich repeat containing 10; minus strand). Cytogenetic location: 12q15.
Variant type: single nucleotide variant.
Coding change: c.403C>T on transcript NM_201550.4 (MANE Select); coding-DNA position 403, C replaced by T.
Protein change: p.Gln135Ter; replaces glutamine 135 with a stop codon.
Molecular consequence: nonsense.
Genome position (GRCh38, 1-based): chr12:69,610,436, G>A on the plus strand (C>T on the coding strand, the complement: LRRC10 is on the minus strand). VCF-style: chr12-69610436-G-A. GRCh37 (hg19) VCF-style: chr12-70004216-G-A.
Other names: short protein forms Q135*.
Identifiers: ClinVar variation 3666546 (VCV003666546.2).

ClinVar aggregate classification (germline): Uncertain significance (1 of 4 stars; one submission).

Submission:

Labcorp Genetics (formerly Invitae), Labcorp
Classification: Uncertain significance. Last evaluated: 2024-02-29. Review status: criteria provided, single submitter. Criteria: Invitae Variant Classification Sherloc (09022015). Collection method: clinical testing. Allele origin: germline.
Comment: This sequence change creates a premature translational stop signal (p.Gln135*) in the LRRC10 gene. While this is not anticipated to result in nonsense mediated decay, it is expected to disrupt the last 143 amino acid(s) of the LRRC10 protein. This variant is present in population databases (no rsID available, gnomAD 0.007%). This variant has not been reported in the literature in individuals affected with LRRC10-related conditions. In summary, the available evidence is currently insufficient to determine the role of this variant in disease. Therefore, it has been classified as a Variant of Uncertain Significance.